The following is an entry in ClinVar:

NM_001103.4(ACTN2):c.1909C>T (p.Arg637Cys)

Gene: ACTN2 (actinin alpha 2; plus strand). Cytogenetic location: 1q43.
Variant type: single nucleotide variant.
Coding change: c.1909C>T on transcript NM_001103.4 (MANE Select); coding-DNA position 1909, C replaced by T.
Protein change: p.Arg637Cys; replaces arginine 637 with cysteine.
Molecular consequence: missense variant.
Genome position (GRCh38, 1-based): chr1:236,754,016, C>T. VCF-style: chr1-236754016-C-T. GRCh37 (hg19) VCF-style: chr1-236917316-C-T.
Other names: c.1909C>T (NM_001103.2); c.1909C>T, p.Arg637Cys (NM_001278343.2); c.1285C>T, p.Arg429Cys (NM_001278344.2); short protein forms R429C, R637C.
Identifiers: ClinVar variation 1375058 (VCV001375058.7), dbSNP rs570051117, ClinGen allele CA1473284.

ClinVar aggregate classification (germline): Conflicting classifications of pathogenicity. Review status: criteria provided, conflicting classifications (1 of 4 stars). 2 submissions from 2 submitters: Uncertain significance (1); Likely benign (1). Last evaluated 2025-06-20.

Conditions:
Primary familial hypertrophic cardiomyopathy (HCM). Identifiers: Orphanet 99739, MedGen C0949658, MeSH D024741, MONDO:0024573. Inheritance: Various modes of inheritance.
Dilated cardiomyopathy 1AA (CMD1AA). Also called: Cardiomyopathy, dilated, 1AA, with or without LVNC; CARDIOMYOPATHY, FAMILIAL HYPERTROPHIC, 23, WITH OR WITHOUT LEFT VENTRICULAR NONCOMPACTION; CARDIOMYOPATHY, DILATED, 1AA, WITH OR WITHOUT LEFT VENTRICULAR NONCOMPACTION. Identifiers: Orphanet 154, MedGen C2677338, MONDO:0012808, OMIM 612158.
Cardiovascular phenotype. Identifiers: MedGen CN230736.

Allele frequency attached by ClinVar (database versions not stated): TOPMed below 0.00001; gnomAD 0.00001; gnomAD exomes 0.00003; ExAC 0.00004; 1000 Genomes Project 30x 0.00016; 1000 Genomes Project 0.00020.

Submissions (2):

Labcorp Genetics (formerly Invitae), Labcorp
Classification: Likely benign for Primary familial hypertrophic cardiomyopathy; Dilated cardiomyopathy 1AA. Last evaluated: 2025-06-20. Review status: criteria provided, single submitter. Criteria: Invitae Variant Classification Sherloc (09022015). Collection method: clinical testing. Allele origin: germline.

Ambry Genetics
Classification: Uncertain significance for Cardiovascular phenotype. Last evaluated: 2025-05-25. Review status: criteria provided, single submitter. Criteria: Ambry Variant Classification Scheme 2023. Collection method: clinical testing. Allele origin: germline.
Comment: The p.R637C variant (also known as c.1909C>T), located in coding exon 16 of the ACTN2 gene, results from a C to T substitution at nucleotide position 1909. The arginine at codon 637 is replaced by cysteine, an amino acid with highly dissimilar properties. This amino acid position is highly conserved in available vertebrate species. In addition, the in silico prediction for this alteration is inconclusive. Based on the available evidence, the clinical significance of this variant remains unclear.